The following is an entry in ClinVar:

NM_173495.3(PTCHD1):c.1969_1972del (p.Asn657fs)

Gene: PTCHD1 (patched domain containing 1; plus strand). Cytogenetic location: Xp22.11.
Variant type: Microsatellite.
Coding change: c.1969_1972del on transcript NM_173495.3 (MANE Select); coding-DNA positions 1969 to 1972, 4 bases deleted (AACA; older notation c.1969_1972delAACA).
Protein change: p.Asn657fs; shifts the reading frame from asparagine 657.
Molecular consequence: frameshift variant.
Genome position (GRCh38, 1-based): chrX:23,393,487-23,393,490, AACA deleted; deleting any 4 consecutive bases within chrX:23,393,482-23,393,490 gives the same sequence; the c. name uses the placement nearest the transcript's 3' end. VCF-style (leftmost placement, unchanged base first): chrX-23393481-GAAAC-G. GRCh37 (hg19) VCF-style: chrX-23411598-GAAAC-G.
Other names: c.1969_1972delAACA (NM_173495.2); short protein forms N657fs.
Identifiers: ClinVar variation 372479 (VCV000372479.5), dbSNP rs1057517808, ClinGen allele CA16043258.

ClinVar aggregate classification (germline): Likely pathogenic (1 of 4 stars; one submission).

Submission:

GeneDx
Classification: Likely pathogenic. Last evaluated: 2024-11-06. Review status: criteria provided, single submitter. Criteria: GeneDx Variant Classification Process June 2021. Collection method: clinical testing. Allele origin: germline. Affected: yes.
Comment: Frameshift variant predicted to result in abnormal protein length as the last 232 amino acids are replaced with 10 different amino acids, and other similar variants have been reported in HGMD; Not observed at significant frequency in large population cohorts (gnomAD); Has not been previously published as pathogenic or benign to our knowledge